The following is an entry in ClinVar:

ClinVar aggregate classification (germline): Benign (0 of 4 stars; one submission).

Conditions:
MUC16-related disorder. Also called: MUC16-related condition.

Allele frequency attached by ClinVar (database versions not stated): 1000 Genomes Project 30x 0.00156; 1000 Genomes Project 0.00180; ESP Exome Variant Server 0.00293.

Submission:

PreventionGenetics, part of Exact Sciences
Classification: Benign for MUC16-related condition. Last evaluated: 2019-08-21. Review status: no assertion criteria provided. Collection method: clinical testing. Allele origin: germline.
Comment: This variant is classified as benign based on ACMG/AMP sequence variant interpretation guidelines (Richards et al. 2015 PMID: 25741868, with internal and published modifications).

NM_001401501.2(MUC16):c.3274T>C (p.Leu1092=)

Gene: MUC16 (mucin 16, cell surface associated; minus strand). Cytogenetic location: 19p13.2.
Variant type: single nucleotide variant.
Coding change: c.3274T>C on transcript NM_001401501.2 (MANE Select); coding-DNA position 3274, T replaced by C.
Protein change: p.Leu1092=; no amino-acid change (leucine 1092 retained).
Molecular consequence: synonymous variant.
Genome position (GRCh38, 1-based): chr19:8,977,985, A>G on the plus strand (T>C on the coding strand, the complement: MUC16 is on the minus strand). VCF-style: chr19-8977985-A-G. GRCh37 (hg19) VCF-style: chr19-9088661-A-G.
Other names: c.3700T>C, p.Leu1234= (NM_001414686.1); c.3154T>C, p.Leu1052= (NM_001414687.1, NM_024690.2).
Identifiers: ClinVar variation 3033237 (VCV003033237.2), dbSNP rs117838005, ClinGen allele CA9173075.